The following is an entry in ClinVar:

ClinVar aggregate classification (germline): Likely pathogenic. Review status: criteria provided, multiple submitters, no conflicts (2 of 4 stars). 3 submissions from 3 submitters: Likely pathogenic (2). 1 of the submissions does not count toward it. Last evaluated 2024-04-30.

Conditions:
USH1C-related disorder. Also called: USH1C-related condition.
Autosomal recessive nonsyndromic hearing loss 18A. Also called: DEAFNESS, AUTOSOMAL RECESSIVE 18; Deafness, autosomal recessive 18A. Identifiers: Orphanet 90636, MedGen C1865870, MONDO:0011192, OMIM 602092.
Usher syndrome type 1C. Also called: USHER SYNDROME, TYPE I, ACADIAN VARIETY. Identifiers: Orphanet 231169, Orphanet 886, MedGen C1848604, MONDO:0010171, OMIM 276904.

Allele frequency attached by ClinVar (database versions not stated): gnomAD exomes below 0.00001.
gnomAD v4.1: 2 of 1,612,884 alleles (0.00012%); highest among the groups gnomAD compares: South Asian, 0.0011%; no homozygotes.

Submissions (3):

Labcorp Genetics (formerly Invitae), Labcorp
Classification: Likely pathogenic. Last evaluated: 2024-04-30. Review status: criteria provided, single submitter. Criteria: Invitae Variant Classification Sherloc (09022015). Collection method: clinical testing. Allele origin: germline.
Comment: This sequence change affects a donor splice site in intron 17 of the USH1C gene. It is expected to disrupt RNA splicing. Variants that disrupt the donor or acceptor splice site typically lead to a loss of protein function (PMID: 16199547), and loss-of-function variants in USH1C are known to be pathogenic (PMID: 10973247, 17407589, 20301442, 21203349). This variant is not present in population databases (gnomAD no frequency). This variant has not been reported in the literature in individuals affected with USH1C-related conditions. ClinVar contains an entry for this variant (Variation ID: 554114). Algorithms developed to predict the effect of sequence changes on RNA splicing suggest that this variant may disrupt the consensus splice site. In summary, the currently available evidence indicates that the variant is pathogenic, but additional data are needed to prove that conclusively. Therefore, this variant has been classified as Likely Pathogenic.

Blueprint Genetics
Classification: Likely pathogenic for USH1C-related disorders. Last evaluated: 2018-12-13. Review status: criteria provided, single submitter. Criteria: ACMG Guidelines, 2015. Collection method: clinical testing. Allele origin: germline. Affected: yes. Observed: 1 variant allele.

Counsyl
Classification: Likely pathogenic for Usher syndrome type 1C; Autosomal recessive nonsyndromic hearing loss 18A. Last evaluated: 2017-09-27. Review status: no assertion criteria provided. Collection method: clinical testing. Allele origin: unknown. Not counted in ClinVar's aggregate classification.

Literature cited by the submitters: PubMed 16199547 (cited by Labcorp Genetics (formerly Invitae), Labcorp); PubMed 10973247 (cited by Labcorp Genetics (formerly Invitae), Labcorp); PubMed 17407589 (cited by Labcorp Genetics (formerly Invitae), Labcorp); PubMed 20301442 (cited by Labcorp Genetics (formerly Invitae), Labcorp); PubMed 21203349 (cited by Labcorp Genetics (formerly Invitae), Labcorp).

NM_153676.4(USH1C):c.2280+2T>C

Gene: USH1C (USH1 protein network component harmonin; minus strand). Cytogenetic location: 11p15.1.
Variant type: single nucleotide variant.
Coding change: c.2280+2T>C on transcript NM_153676.4 (MANE Select); the canonical splice donor site of the intron after coding-DNA position 2280, T replaced by C.
Molecular consequence: splice donor variant.
Genome position (GRCh38, 1-based): chr11:17,501,480, A>G on the plus strand (T>C on the coding strand, the complement: USH1C is on the minus strand). VCF-style: chr11-17501480-A-G. GRCh37 (hg19) VCF-style: chr11-17523027-A-G.
Other names: c.1323+2T>C (NM_001297764.2); c.1380+2T>C (NM_005709.4).
Identifiers: ClinVar variation 554114 (VCV000554114.5), dbSNP rs1554954681, ClinGen allele CA379803283.
Genomic context (GRCh38, chr11:17,501,480, plus strand): 5'-AAGGGAGGAGGGGCAGGCACAGAGAGGGATGGCGGCCCACCGGCCTCCACATGCCCAGGT[A>G]CCTTCTTGATGCGTAGGAGCCGGACATCCTTCCCCATGATCTGCTCTGGGGTGAACTAGA-3'